The following is an entry in ClinVar:

ClinVar aggregate classification (germline): Uncertain significance. Review status: criteria provided, multiple submitters, no conflicts (2 of 4 stars). 2 submissions from 2 submitters: Uncertain significance (2). Last evaluated 2025-08-05.

Conditions:
Inborn genetic diseases. Identifiers: MedGen C0950123, MeSH D030342.

gnomAD v4.1: 1 of 1,006,812 alleles (0.000099%); highest among the groups gnomAD compares: Non-Finnish European, 0.00012%; no homozygotes.

Submissions (2):

Ambry Genetics
Classification: Uncertain significance for Inborn genetic diseases. Last evaluated: 2025-08-05. Review status: criteria provided, single submitter. Criteria: Ambry Variant Classification Scheme 2023. Collection method: clinical testing. Allele origin: germline.

Dasa
Classification: Uncertain significance. Last evaluated: 2024-09-17. Review status: criteria provided, single submitter. Criteria: DASA Assertion Criteria. Collection method: clinical testing. Allele origin: germline.
Comment: NM_003185.4(TAF4):c.722C>T (p.Pro241Leu) is a missense variant that results in the substitution of proline with leucine. This variant is rare in population databases. Computational prediction algorithms are consistent with a benign effect. The currently available literature and clinical evidence are not sufficient to establish a definitive association between this variant and the reported condition. Therefore, this variant is classified as a variant of uncertain significance.

NM_003185.4(TAF4):c.722C>T (p.Pro241Leu)

Gene: TAF4 (TATA-box binding protein associated factor 4; minus strand). Cytogenetic location: 20q13.33.
Variant type: single nucleotide variant.
Coding change: c.722C>T on transcript NM_003185.4 (MANE Select); coding-DNA position 722, C replaced by T.
Protein change: p.Pro241Leu; replaces proline 241 with leucine.
Molecular consequence: missense variant.
Genome position (GRCh38, 1-based): chr20:62,065,089, G>A on the plus strand (C>T on the coding strand, the complement: TAF4 is on the minus strand). VCF-style: chr20-62065089-G-A. GRCh37 (hg19) VCF-style: chr20-60640145-G-A.
Other names: short protein forms P241L.
Identifiers: ClinVar variation 4179643 (VCV004179643.3).